The following is an entry in ClinVar:

NM_006031.6(PCNT):c.2556T>C (p.Ala852=)

Gene: PCNT (pericentrin; plus strand). Cytogenetic location: 21q22.3.
Variant type: single nucleotide variant.
Coding change: c.2556T>C on transcript NM_006031.6 (MANE Select); coding-DNA position 2556, T replaced by C.
Protein change: p.Ala852=; no amino-acid change (alanine 852 retained).
Molecular consequence: synonymous variant.
Genome position (GRCh38, 1-based): chr21:46,363,881, T>C. VCF-style: chr21-46363881-T-C. GRCh37 (hg19) VCF-style: chr21-47783796-T-C.
Other names: c.2202T>C, p.Ala734= (NM_001315529.2).
Identifiers: ClinVar variation 159572 (VCV000159572.25), dbSNP rs8131546, ClinGen allele CA172981.

ClinVar aggregate classification (germline): Benign. Review status: criteria provided, multiple submitters, no conflicts (2 of 4 stars). 10 submissions from 10 submitters: Benign (8). 2 of the submissions do not count toward it. Last evaluated 2026-02-04.

Conditions:
PCNT-related disorder. Also called: PCNT-related condition.
Microcephalic osteodysplastic primordial dwarfism type II (MOPD2). Also called: MOPD II; OSTEODYSPLASTIC PRIMORDIAL DWARFISM, TYPE II; Microcephalic osteodysplastic primordial dwarfism with tooth abnormalities. Identifiers: Orphanet 2637, MedGen C0432246, MONDO:0008872, OMIM 210720.

Allele frequency attached by ClinVar (database versions not stated): 1000 Genomes Project 0.84704; 1000 Genomes Project 30x 0.84978; gnomAD exomes 0.85411 and 0.86929; ExAC 0.85481; gnomAD 0.87835 and 0.88316; TOPMed 0.88233; ESP Exome Variant Server 0.89487.
gnomAD v4.1: 1,403,007 of 1,612,428 alleles (87%); highest among the groups gnomAD compares: African/African-American, 93%; 611,490 homozygotes.

Submissions (10):

Labcorp Genetics (formerly Invitae), Labcorp
Classification: Benign. Last evaluated: 2026-02-04. Review status: criteria provided, single submitter. Criteria: Invitae Variant Classification Sherloc (09022015). Collection method: clinical testing. Allele origin: germline.

Blueprint Genetics
Classification: Benign. Last evaluated: 2024-11-28. Review status: criteria provided, single submitter. Criteria: ACMG Guidelines, 2015. Collection method: clinical testing. Allele origin: germline.

Genome-Nilou Lab
Classification: Benign for Microcephalic osteodysplastic primordial dwarfism type II. Last evaluated: 2021-09-05. Review status: criteria provided, single submitter. Criteria: ACMG Guidelines, 2015. Collection method: clinical testing. Allele origin: germline. Affected: no.

Illumina Laboratory Services, Illumina
Classification: Benign for Microcephalic osteodysplastic primordial dwarfism type II. Last evaluated: 2018-01-13. Review status: criteria provided, single submitter. Criteria: ICSL Variant Classification Criteria 13 December 2019. Collection method: clinical testing. Allele origin: germline.
Comment: This variant was observed in the ICSL laboratory as part of a predisposition screen in an ostensibly healthy population. It had not been previously curated by ICSL or reported in the Human Gene Mutation Database (HGMD: prior to June 1st, 2018), and was therefore a candidate for classification through an automated scoring system. Utilizing variant allele frequency, disease prevalence and penetrance estimates, and inheritance mode, an automated score was calculated to assess if this variant is too frequent to cause the disease. Based on the score and internal cut-off values, a variant classified as benign is not then subjected to further curation. The score for this variant resulted in a classification of benign for this disease.

Clinical Genetics DNA and cytogenetics Diagnostics Lab, Erasmus MC, Erasmus Medical Center
Classification: Benign for Microcephalic osteodysplastic primordial dwarfism type II. Last evaluated: 2017-06-28. Review status: criteria provided, single submitter. Criteria: ACGS Guidelines, 2013. Collection method: clinical testing. Allele origin: germline. Affected: yes. Study: VKGL Data-share Consensus.

GeneDx
Classification: Benign. Last evaluated: 2015-03-03. Review status: criteria provided, single submitter. Criteria: GeneDx Variant Classification Process June 2021. Collection method: clinical testing. Allele origin: germline. Affected: yes.

Genetic Services Laboratory, University of Chicago
Classification: Benign. Last evaluated: 2013-02-08. Review status: criteria provided, single submitter. Criteria: ACMG Guidelines, 2007. Collection method: clinical testing. Allele origin: germline. Inheritance: Autosomal recessive inheritance.

Breakthrough Genomics
Classification: Benign. Review status: criteria provided, single submitter. Criteria: ACMG Guidelines, 2015. Collection method: not provided. Allele origin: germline. Inheritance: Autosomal recessive inheritance. Affected: yes.

PreventionGenetics, part of Exact Sciences
Classification: Benign for PCNT-related condition. Last evaluated: 2024-01-24. Review status: no assertion criteria provided. Collection method: clinical testing. Allele origin: germline. Not counted in ClinVar's aggregate classification.
Comment: This variant is classified as benign based on ACMG/AMP sequence variant interpretation guidelines (Richards et al. 2015 PMID: 25741868, with internal and published modifications).

Diagnostic Laboratory, Department of Genetics, University Medical Center Groningen
Classification: Benign for Microcephalic osteodysplastic primordial dwarfism type II. Review status: no assertion criteria provided. Collection method: clinical testing. Allele origin: germline. Affected: yes. Study: VKGL Data-share Consensus. Not counted in ClinVar's aggregate classification.